The following is an entry in ClinVar:

NM_001035.3(RYR2):c.1192C>T (p.His398Tyr)

Gene: RYR2 (ryanodine receptor 2; plus strand). Cytogenetic location: 1q43.
Variant type: single nucleotide variant.
Coding change: c.1192C>T on transcript NM_001035.3 (MANE Select); coding-DNA position 1192, C replaced by T.
Protein change: p.His398Tyr; replaces histidine 398 with tyrosine.
Molecular consequence: missense variant.
Genome position (GRCh38, 1-based): chr1:237,445,422, C>T. VCF-style: chr1-237445422-C-T. GRCh37 (hg19) VCF-style: chr1-237608722-C-T.
Other names: short protein forms H398Y.
Identifiers: ClinVar variation 3372553 (VCV003372553.1).
Genomic context (GRCh38, chr1:237,445,422, plus strand): 5'-GACGTTGGGAGTAATGGCCTTATTTTTGCTTTCTTACAGGCTATTATGCATCATGAAGGC[C>T]ACATGGATGATGGCATAAGTTTGTCGAGATCCCAGCATGAAGAATCACGCACAGCCCGAG-3'
Protein context (NP_001026.2, residues 388-408): QRKAIMHHEG[His398Tyr]MDDGISLSRS

ClinVar aggregate classification (germline): Uncertain significance (1 of 4 stars; one submission).

Submission:

GeneDx
Classification: Uncertain significance. Last evaluated: 2024-04-17. Review status: criteria provided, single submitter. Criteria: GeneDx Variant Classification Process June 2021. Collection method: clinical testing. Allele origin: germline. Affected: yes.
Comment: Not observed at significant frequency in large population cohorts (gnomAD); In silico analysis supports that this missense variant has a deleterious effect on protein structure/function; Has not been previously published as pathogenic or benign to our knowledge